The following is an entry in ClinVar:

ClinVar aggregate classification (germline): Uncertain significance (1 of 4 stars; one submission).

Conditions:
Carnitine palmitoyl transferase 1A deficiency. Also called: CPT I DEFICIENCY; CPT DEFICIENCY, HEPATIC, TYPE I; Carnitine palmitoyltransferase 1A deficiency; Carnitine palmitoyltransferase type I deficiency; CPT deficiency, hepatic, type IA. Identifiers: Orphanet 156, MedGen C1829703, MONDO:0009705, OMIM 255120.

Allele frequency attached by ClinVar (database versions not stated): gnomAD exomes 0.00001; ExAC 0.00002.
gnomAD v4.1: 16 of 1,613,964 alleles (0.00099%); highest among the groups gnomAD compares: South Asian, 0.016%; 1 homozygote.

Submission:

Labcorp Genetics (formerly Invitae), Labcorp
Classification: Uncertain significance for Carnitine palmitoyl transferase 1A deficiency. Last evaluated: 2022-02-04. Review status: criteria provided, single submitter. Criteria: Invitae Variant Classification Sherloc (09022015). Collection method: clinical testing. Allele origin: germline.
Comment: This sequence change replaces isoleucine, which is neutral and non-polar, with threonine, which is neutral and polar, at codon 149 of the CPT1A protein (p.Ile149Thr). This variant is present in population databases (rs773322250, gnomAD 0.01%). This variant has not been reported in the literature in individuals affected with CPT1A-related conditions. Algorithms developed to predict the effect of missense changes on protein structure and function (SIFT, PolyPhen-2, Align-GVGD) all suggest that this variant is likely to be tolerated. In summary, the available evidence is currently insufficient to determine the role of this variant in disease. Therefore, it has been classified as a Variant of Uncertain Significance.

NM_001876.4(CPT1A):c.446T>C (p.Ile149Thr)

Gene: CPT1A (carnitine palmitoyltransferase 1A; minus strand). Cytogenetic location: 11q13.3.
Variant type: single nucleotide variant.
Coding change: c.446T>C on transcript NM_001876.4 (MANE Select); coding-DNA position 446, T replaced by C.
Protein change: p.Ile149Thr; replaces isoleucine 149 with threonine.
Molecular consequence: missense variant.
Genome position (GRCh38, 1-based): chr11:68,807,474, A>G on the plus strand (T>C on the coding strand, the complement: CPT1A is on the minus strand). VCF-style: chr11-68807474-A-G. GRCh37 (hg19) VCF-style: chr11-68574942-A-G.
Other names: c.446T>C, p.Ile149Thr (NM_001031847.3); short protein forms I149T.
Identifiers: ClinVar variation 2169211 (VCV002169211.1), dbSNP rs773322250, ClinGen allele CA6152681.